The following is an entry in ClinVar:

ClinVar aggregate classification (germline): Uncertain significance (1 of 4 stars; one submission).

Conditions:
Inborn genetic diseases. Identifiers: MedGen C0950123, MeSH D030342.

gnomAD v4.1: 2 of 1,614,190 alleles (0.00012%); highest among the groups gnomAD compares: Admixed American, 0.0017%; no homozygotes.

Submission:

Ambry Genetics
Classification: Uncertain significance for Inborn genetic diseases. Last evaluated: 2026-07-03. Review status: criteria provided, single submitter. Criteria: Ambry Variant Classification Scheme 2023. Collection method: clinical testing. Allele origin: germline.
Comment: The c.6344A>G (p.D2115G) alteration is located in exon 19 (coding exon 18) of the COL6A3 gene. This alteration results from a A to G substitution at nucleotide position 6344, causing the aspartic acid (D) at amino acid position 2115 to be replaced by a glycine (G). Based on data from gnomAD, the G allele has an overall frequency of <0.001% (1/251494) total alleles studied. The highest observed frequency was 0.003% (1/34592) of Latino alleles. Based on insufficient or conflicting evidence, the clinical significance of this alteration remains unclear.

NM_004369.4(COL6A3):c.6344A>G (p.Asp2115Gly)

Gene: COL6A3 (collagen type VI alpha 3 chain; minus strand). Cytogenetic location: 2q37.3.
Variant type: single nucleotide variant.
Coding change: c.6344A>G on transcript NM_004369.4 (MANE Select); coding-DNA position 6344, A replaced by G.
Protein change: p.Asp2115Gly; replaces aspartic acid 2115 with glycine.
Molecular consequence: missense variant.
Genome position (GRCh38, 1-based): chr2:237,359,216, T>C on the plus strand (A>G on the coding strand, the complement: COL6A3 is on the minus strand). VCF-style: chr2-237359216-T-C. GRCh37 (hg19) VCF-style: chr2-238267859-T-C.
Other names: c.5726A>G, p.Asp1909Gly (NM_057167.4); c.4523A>G, p.Asp1508Gly (NM_057166.5); short protein forms D1508G, D2115G, D1909G.
Identifiers: ClinVar variation 5034864 (VCV005034864.1).